The following is an entry in ClinVar:

NM_006005.3(WFS1):c.2017T>G (p.Cys673Gly)

Gene: WFS1 (wolframin ER transmembrane glycoprotein; plus strand). Cytogenetic location: 4p16.1.
Variant type: single nucleotide variant.
Coding change: c.2017T>G on transcript NM_006005.3 (MANE Select); coding-DNA position 2017, T replaced by G.
Protein change: p.Cys673Gly; replaces cysteine 673 with glycine.
Molecular consequence: missense variant.
Genome position (GRCh38, 1-based): chr4:6,301,812, T>G. VCF-style: chr4-6301812-T-G. GRCh37 (hg19) VCF-style: chr4-6303539-T-G.
Other names: c.2017T>G, p.Cys673Gly (NM_001145853.1); short protein forms C673G.
Identifiers: ClinVar variation 3774536 (VCV003774536.1).
Genomic context (GRCh38, chr4:6,301,812, plus strand): 5'-CGCTCAGAGGGCATGAAGGTCTACAACTCCACACTGACCTGGCAGCAGTATGGTGCGCTG[T>G]GCGGGCCACGCGCCTGGAAGGAGACCAACATGGCGCGCACCCAGATCCTCTGCAGCCACC-3'
Protein context (NP_005996.2, residues 663-683): TLTWQQYGAL[Cys673Gly]GPRAWKETNM

ClinVar aggregate classification (germline): Uncertain significance (1 of 4 stars; one submission).

Conditions:
Wolfram syndrome 1 (WFS1). Identifiers: Orphanet 3463, MedGen C4551693, MONDO:0009101, OMIM 222300.

Submission:

Diagnostics Services (NGS), CSIR - Centre For Cellular And Molecular Biology
Classification: Uncertain significance for Wolfram syndrome 1. Last evaluated: 2025-03-18. Review status: criteria provided, single submitter. Criteria: ACMG Guidelines, 2015. Collection method: clinical testing. Allele origin: germline. Affected: yes. Observed: 1 variant allele, 1 homozygote.
Comment: The c.2017T>G variant is not present in publicly available population databases like 1000 Genomes, EVS, gnomAD, Indian Exome Database or our internal database. This variant has neither been published in the literature for WFS1-related conditions nor reported to the clinical databases like Human Genome Mutation Database (HGMD), ClinVar or OMIM, in any affected individuals. In-silico pathogenicity prediction programs like Polyphen, SIFT, MutationTaster2021, CADD, Franklin, Varsome etc predicted this variant to be likely deleterious, however these predictions were not confirmed by any published functional studies. This variant is present in a mutational hotspot region of the gene.